The following is an entry in ClinVar:

NM_001458.5(FLNC):c.5483C>T (p.Pro1828Leu)

Genes: FLNC-AS1 (FLNC antisense RNA 1; minus strand), FLNC (filamin C; plus strand). Cytogenetic location: 7q32.1.
Variant type: single nucleotide variant.
Coding change: c.5483C>T on transcript NM_001458.5 (MANE Select); coding-DNA position 5483, C replaced by T.
Protein change: p.Pro1828Leu; replaces proline 1828 with leucine.
Molecular consequence: missense variant.
Genome position (GRCh38, 1-based): chr7:128,850,887, C>T. VCF-style: chr7-128850887-C-T. GRCh37 (hg19) VCF-style: chr7-128490941-C-T.
Other names: c.5384C>T, p.Pro1795Leu (NM_001127487.2); short protein forms P1795L, P1828L.
Identifiers: ClinVar variation 1474646 (VCV001474646.6), dbSNP rs2128938246, ClinGen allele CA369206843.
Genomic context (GRCh38, chr7:128,850,887, plus strand): 5'-AGACGGCACGGCCCAACATCACCGACAACAAGGACGGCACCATCACGGTGAGGTATGCAC[C>T]CACTGAGAAAGGCCTGCACCAGATGGGGATCAAGTATGACGGCAACCACATCCCTGGTGA-3'
Protein context (NP_001449.3, residues 1818-1838): KDGTITVRYA[Pro1828Leu]TEKGLHQMGI

ClinVar aggregate classification (germline): Uncertain significance (1 of 4 stars; one submission).

Conditions:
Distal myopathy with posterior leg and anterior hand involvement. Also called: WILLIAMS DISTAL MYOPATHY. Identifiers: Orphanet 63273, MedGen C3279722, MONDO:0013550, OMIM 614065.
Hypertrophic cardiomyopathy 26. Also called: Cardiomyopathy, familial hypertrophic, 26. Identifiers: Orphanet 75249, MedGen C4310749, MONDO:0014883, OMIM 617047.
Myofibrillar myopathy 5. Also called: FILAMINOPATHY, AUTOSOMAL DOMINANT; Filaminopathy (type). Identifiers: Orphanet 171445, MedGen C1836050, MONDO:0012289, OMIM 609524.

Submission:

Labcorp Genetics (formerly Invitae), Labcorp
Classification: Uncertain significance for Distal myopathy with posterior leg and anterior hand involvement; Myofibrillar myopathy 5; Hypertrophic cardiomyopathy 26. Last evaluated: 2021-11-04. Review status: criteria provided, single submitter. Criteria: Invitae Variant Classification Sherloc (09022015). Collection method: clinical testing. Allele origin: germline.
Comment: This sequence change replaces proline, which is neutral and non-polar, with leucine, which is neutral and non-polar, at codon 1828 of the FLNC protein (p.Pro1828Leu). This variant is not present in population databases (gnomAD no frequency). In summary, the available evidence is currently insufficient to determine the role of this variant in disease. Therefore, it has been classified as a Variant of Uncertain Significance. Algorithms developed to predict the effect of missense changes on protein structure and function are either unavailable or do not agree on the potential impact of this missense change (SIFT: "Deleterious"; PolyPhen-2: "Probably Damaging"; Align-GVGD: "Class C0"). This variant has not been reported in the literature in individuals affected with FLNC-related conditions.